The following is an entry in ClinVar:

ClinVar aggregate classification (germline): Likely benign. Review status: criteria provided, multiple submitters, no conflicts (2 of 4 stars). 2 submissions from 2 submitters: Likely benign (2). Last evaluated 2025-02-18.

Conditions:
Fanconi anemia complementation group O. Also called: RAD51C-Related Fanconi Anemia. Identifiers: Orphanet 84, MedGen C3150653, MONDO:0013248, OMIM 613390.
Breast-ovarian cancer, familial, susceptibility to, 3. Also called: RAD51C-Related Breast/Ovarian Cancer. Identifiers: Orphanet 145, MedGen C3150659, MONDO:0013253, OMIM 613399.

Allele frequency attached by ClinVar (database versions not stated): gnomAD exomes below 0.00001.
gnomAD v4.1: 1 of 1,602,430 alleles (0.000062%); highest among the groups gnomAD compares: Non-Finnish European, 0.000086%; no homozygotes.

Submissions (2):

Myriad Genetics, Inc.
Classification: Likely benign for Breast-ovarian cancer, familial, susceptibility to, 3. Last evaluated: 2025-02-18. Review status: criteria provided, single submitter. Criteria: Myriad Autosomal Dominant, Autosomal Recessive and X-Linked Classification Criteria (2023). Collection method: clinical testing. Allele origin: unknown.
Comment: This variant is considered likely benign. This variant is intronic and is not expected to impact mRNA splicing.

Labcorp Genetics (formerly Invitae), Labcorp
Classification: Likely benign for Fanconi anemia complementation group O. Last evaluated: 2024-11-05. Review status: criteria provided, single submitter. Criteria: Invitae Variant Classification Sherloc (09022015). Collection method: clinical testing. Allele origin: germline.

NM_058216.3(RAD51C):c.706-5T>C

Gene: RAD51C (RAD51 paralog C; plus strand). Cytogenetic location: 17q22.
Variant type: single nucleotide variant.
Coding change: c.706-5T>C on transcript NM_058216.3 (MANE Select); 5 bases into the intron before coding-DNA position 706, T replaced by C.
Molecular consequence: intron variant.
Genome position (GRCh38, 1-based): chr17:58,709,854, T>C. VCF-style: chr17-58709854-T-C. GRCh37 (hg19) VCF-style: chr17-56787215-T-C.
Identifiers: ClinVar variation 1650354 (VCV001650354.9), dbSNP rs2143849856, ClinGen allele CA2573154407.